The following is an entry in ClinVar:

ClinVar aggregate classification (germline): Uncertain significance (1 of 4 stars; one submission).

Conditions:
Inborn genetic diseases. Identifiers: MedGen C0950123, MeSH D030342.

Submission:

Ambry Genetics
Classification: Uncertain significance for Inborn genetic diseases. Last evaluated: 2025-06-02. Review status: criteria provided, single submitter. Criteria: Ambry Variant Classification Scheme 2023. Collection method: clinical testing. Allele origin: germline.
Comment: The p.N1166S variant (also known as c.3497A>G), located in coding exon 24 of the ANKRD26 gene, results from an A to G substitution at nucleotide position 3497. The asparagine at codon 1166 is replaced by serine, an amino acid with highly similar properties. This amino acid position is conserved. In addition, this alteration is predicted to be tolerated by in silico analysis. Based on the available evidence, the clinical significance of this variant remains unclear.

NM_014915.3(ANKRD26):c.3497A>G (p.Asn1166Ser)

Gene: ANKRD26 (ankyrin repeat domain containing 26; minus strand). Cytogenetic location: 10p12.1.
Variant type: single nucleotide variant.
Coding change: c.3497A>G on transcript NM_014915.3 (MANE Select); coding-DNA position 3497, A replaced by G.
Protein change: p.Asn1166Ser; replaces asparagine 1166 with serine.
Molecular consequence: missense variant.
Genome position (GRCh38, 1-based): chr10:27,034,953, T>C on the plus strand (A>G on the coding strand, the complement: ANKRD26 is on the minus strand). VCF-style: chr10-27034953-T-C. GRCh37 (hg19) VCF-style: chr10-27323882-T-C.
Other names: c.3494A>G, p.Asn1165Ser (NM_001256053.2); short protein forms N1165S, N1166S.
Identifiers: ClinVar variation 3914949 (VCV003914949.1).